The following is an entry in ClinVar:

ClinVar aggregate classification (germline): Uncertain significance (1 of 4 stars; one submission).

Conditions:
Marfan syndrome (MFS). Also called: MARFAN SYNDROME, TYPE I; Marfan syndrome type 1; Marfan's syndrome; Marfan syndrome, classic; FBN1-Related Marfan Syndrome. Identifiers: Orphanet 284963, Orphanet 558, MedGen C0024796, MONDO:0007947, OMIM 154700.
Familial thoracic aortic aneurysm and aortic dissection (TAAD). Also called: Thoracic aortic aneurysms and dissections. Identifiers: Orphanet 91387, MedGen C4707243, MONDO:0019625.

Submission:

Labcorp Genetics (formerly Invitae), Labcorp
Classification: Uncertain significance for Marfan syndrome; Familial thoracic aortic aneurysm and aortic dissection. Last evaluated: 2025-01-12. Review status: criteria provided, single submitter. Criteria: Invitae Variant Classification Sherloc (09022015). Collection method: clinical testing. Allele origin: germline.
Comment: This sequence change replaces valine, which is neutral and non-polar, with isoleucine, which is neutral and non-polar, at codon 1776 of the FBN1 protein (p.Val1776Ile). This variant is not present in population databases (gnomAD no frequency). This variant has not been reported in the literature in individuals affected with FBN1-related conditions. Invitae Evidence Modeling of protein sequence and biophysical properties (such as structural, functional, and spatial information, amino acid conservation, physicochemical variation, residue mobility, and thermodynamic stability) indicates that this missense variant is not expected to disrupt FBN1 protein function with a negative predictive value of 95%. In summary, the available evidence is currently insufficient to determine the role of this variant in disease. Therefore, it has been classified as a Variant of Uncertain Significance.

NM_000138.5(FBN1):c.5326G>A (p.Val1776Ile)

Gene: FBN1 (fibrillin 1; minus strand). Cytogenetic location: 15q21.1.
Variant type: single nucleotide variant.
Coding change: c.5326G>A on transcript NM_000138.5 (MANE Select); coding-DNA position 5326, G replaced by A.
Protein change: p.Val1776Ile; replaces valine 1776 with isoleucine.
Molecular consequence: missense variant.
Genome position (GRCh38, 1-based): chr15:48,456,733, C>T on the plus strand (G>A on the coding strand, the complement: FBN1 is on the minus strand). VCF-style: chr15-48456733-C-T. GRCh37 (hg19) VCF-style: chr15-48748930-C-T.
Other names: c.5326G>A, p.Val1776Ile (NM_001406716.1); short protein forms V1776I.
Identifiers: ClinVar variation 3750882 (VCV003750882.2).